The following is an entry in ClinVar:

NM_000301.5(PLG):c.2384G>A (p.Arg795His)

Gene: PLG (plasminogen; plus strand). Cytogenetic location: 6q26.
Variant type: single nucleotide variant.
Coding change: c.2384G>A on transcript NM_000301.5 (MANE Select); coding-DNA position 2384, G replaced by A.
Protein change: p.Arg795His; replaces arginine 795 with histidine.
Molecular consequence: missense variant.
Genome position (GRCh38, 1-based): chr6:160,753,012, G>A. VCF-style: chr6-160753012-G-A. GRCh37 (hg19) VCF-style: chr6-161174044-G-A.
Other names: short protein forms R795H.
Identifiers: ClinVar variation 4747551 (VCV004747551.1).
Genomic context (GRCh38, chr6:160,753,012, plus strand): 5'-AAGGAGTCACTTCTTGGGGTCTTGGCTGTGCACGCCCCAATAAGCCTGGTGTCTATGTTC[G>A]TGTTTCAAGGTTTGTTACTTGGATTGAGGGAGTGATGAGAAATAATTAATTGGACGGGAG-3'
Protein context (NP_000292.1, residues 785-805): ARPNKPGVYV[Arg795His]VSRFVTWIEG

ClinVar aggregate classification (germline): Uncertain significance (1 of 4 stars; one submission).

gnomAD v4.1: 14 of 1,600,150 alleles (0.00087%); highest among the groups gnomAD compares: Non-Finnish European, 0.0012%; no homozygotes.

Submission:

Labcorp Genetics (formerly Invitae), Labcorp
Classification: Uncertain significance. Last evaluated: 2025-11-10. Review status: criteria provided, single submitter. Criteria: Invitae Variant Classification Sherloc (09022015). Collection method: clinical testing. Allele origin: germline.
Comment: This sequence change replaces arginine, which is basic and polar, with histidine, which is basic and polar, at codon 795 of the PLG protein (p.Arg795His). This variant is not present in population databases (gnomAD no frequency). This missense change has been observed in individuals with clinical features of plasminogen deficiency type I (PMID: 16849641). This variant is also known as R776H. Invitae Evidence Modeling of protein sequence and biophysical properties (such as structural, functional, and spatial information, amino acid conservation, physicochemical variation, residue mobility, and thermodynamic stability) indicates that this missense variant is not expected to disrupt PLG protein function with a negative predictive value of 80%. Experimental studies have shown that this missense change affects PLG function (PMID: 16849641). In summary, the available evidence is currently insufficient to determine the role of this variant in disease. Therefore, it has been classified as a Variant of Uncertain Significance.

Literature cited by the submitters: PubMed 16849641.